The following is an entry in ClinVar:

NM_005422.4(TECTA):c.5832T>A (p.His1944Gln)

Genes: TBCEL-TECTA (TBCEL-TECTA readthrough; plus strand), TECTA (tectorin alpha; plus strand). Cytogenetic location: 11q23.3.
Variant type: single nucleotide variant.
Coding change: c.5832T>A on transcript NM_005422.4 (MANE Select); coding-DNA position 5832, T replaced by A.
Protein change: p.His1944Gln; replaces histidine 1944 with glutamine.
Molecular consequence: missense variant.
Genome position (GRCh38, 1-based): chr11:121,168,758, T>A. VCF-style: chr11-121168758-T-A. GRCh37 (hg19) VCF-style: chr11-121039467-T-A.
Other names: c.6774T>A, p.His2258Gln (NM_001378761.1); short protein forms H1944Q, H2258Q.
Identifiers: ClinVar variation 1306920 (VCV001306920.5), dbSNP rs760356992, ClinGen allele CA6327831.
Genomic context (GRCh38, chr11:121,168,758, plus strand): 5'-AACCCAAGAAGGCAGCTTCATCACCAAGATGGCTCTCTACAAAAACGCCTCCTACAAACA[T>A]CCTTACCGCCAGGGTGAAGTAGTGTTGACGACTCGAGATGTGCTGTATGTAGGGGTTTTT-3'
Protein context (NP_005413.2, residues 1934-1954): MALYKNASYK[His1944Gln]PYRQGEVVLT

ClinVar aggregate classification (germline): Uncertain significance. Review status: criteria provided, multiple submitters, no conflicts (2 of 4 stars). 3 submissions from 3 submitters: Uncertain significance (3). Last evaluated 2026-01-06.

Conditions:
Autosomal dominant nonsyndromic hearing loss 12. Also called: DEAFNESS, AUTOSOMAL DOMINANT 8. Identifiers: Orphanet 90635, MedGen C1832187, MONDO:0011102, OMIM 601543.

Allele frequency attached by ClinVar (database versions not stated): gnomAD exomes 0.00004 and 0.00002; ExAC 0.00003; gnomAD 0.00002 and 0.00001; TOPMed 0.00003.
gnomAD v4.1: 37 of 1,614,028 alleles (0.0023%); highest among the groups gnomAD compares: East Asian, 0.08%; no homozygotes.

Submissions (3):

Women's Health and Genetics/Laboratory Corporation of America, LabCorp
Classification: Uncertain significance. Last evaluated: 2026-01-06. Review status: criteria provided, single submitter. Criteria: LabCorp Variant Classification Summary - May 2015. Collection method: clinical testing. Allele origin: germline.
Comment: Variant summary: TECTA c.5832T>A (p.His1944Gln) results in a non-conservative amino acid change in the encoded protein sequence. Algorithms developed to predict the effect of missense changes on protein structure and function are either unavailable or do not agree on the potential impact of this missense change. The variant allele was found at a frequency of 4e-05 in 251466 control chromosomes. This frequency is not significantly higher than estimated for disease-causing variants in TECTA, allowing no conclusion about variant significance. c.5832T>A has been observed with variants in other genes in an individual affected with Deafness, Autosomal Recessive 21 (Sun_2022). These report(s) do not provide unequivocal conclusions about association of the variant with Deafness, Autosomal Recessive 21. To our knowledge, no experimental evidence demonstrating an impact on protein function has been reported. The following publication have been ascertained in the context of this evaluation (PMID: 36570450). ClinVar contains an entry for this variant (Variation ID: 1306920). Based on the evidence outlined above, the variant was classified as uncertain significance.

GeneDx
Classification: Uncertain significance. Last evaluated: 2024-09-10. Review status: criteria provided, single submitter. Criteria: GeneDx Variant Classification Process June 2021. Collection method: clinical testing. Allele origin: germline. Affected: yes.
Comment: In silico analysis indicates that this missense variant does not alter protein structure/function; Has not been previously published as pathogenic or benign to our knowledge; This variant is associated with the following publications: (PMID: 21520338, 31554319, 9590290, 16718611)

Precision Medicine Center, Zhengzhou University
Classification: Uncertain significance for Autosomal dominant nonsyndromic hearing loss 12. Last evaluated: 2006-06-30. Review status: criteria provided, single submitter. Criteria: ClinGen HL ACMG Specifications v1. Collection method: clinical testing. Allele origin: paternal. Affected: yes.
Comment: PP1+PM2: The TECTA c.5832T>A variant is absent or extremely rare in population databases (PM2). Segregation in 2 affected relative for dominant(PP1). However, no functional evidence, de novo occurrence, or sufficient independent clinical observations are currently available. According to the ACMG/AMP guidelines, this variant is classified as a Variant of Uncertain Significance (VUS).

Literature cited by the submitters: PubMed 36570450 (cited by Women's Health and Genetics/Laboratory Corporation of America, LabCorp).